The following is an entry in ClinVar:

NM_003239.5(TGFB3):c.605T>C (p.Phe202Ser)

Gene: TGFB3 (transforming growth factor beta 3; minus strand). Cytogenetic location: 14q24.3.
Variant type: single nucleotide variant.
Coding change: c.605T>C on transcript NM_003239.5 (MANE Select); coding-DNA position 605, T replaced by C.
Protein change: p.Phe202Ser; replaces phenylalanine 202 with serine.
Molecular consequence: missense variant.
Genome position (GRCh38, 1-based): chr14:75,971,167, A>G on the plus strand (T>C on the coding strand, the complement: TGFB3 is on the minus strand). VCF-style: chr14-75971167-A-G. GRCh37 (hg19) VCF-style: chr14-76437510-A-G.
Other names: c.605T>C, p.Phe202Ser (NM_001329938.2, NM_001329939.2); short protein forms F202S.
Identifiers: ClinVar variation 1020029 (VCV001020029.9), dbSNP rs2035285904, ClinGen allele CA390469473.
Genomic context (GRCh38, chr14:75,971,167, plus strand): 5'-ATCTGAAGGGTCCACCTACCTCTTCTCAACAGCCACTCACGCACAGTGTCAGTGACATCA[A>G]AGGACAGCCACTCGGCAGTGCCCCGTGTGGGCAGATTCTTGCCACCGATATAGCGCTGTT-3'
Protein context (NP_003230.1, residues 192-212): PTRGTAEWLS[Phe202Ser]DVTDTVREWL

ClinVar aggregate classification (germline): Uncertain significance (1 of 4 stars; one submission).

Conditions:
Rienhoff syndrome. Also called: LOEYS-DIETZ SYNDROME 5. Identifiers: MedGen C3810012, MONDO:0014262, OMIM 615582.

Submission:

Labcorp Genetics (formerly Invitae), Labcorp
Classification: Uncertain significance for Rienhoff syndrome. Last evaluated: 2020-04-26. Review status: criteria provided, single submitter. Criteria: Invitae Variant Classification Sherloc (09022015). Collection method: clinical testing. Allele origin: germline.
Comment: This sequence change replaces phenylalanine with serine at codon 202 of the TGFB3 protein (p.Phe202Ser). The phenylalanine residue is highly conserved and there is a large physicochemical difference between phenylalanine and serine. This variant is not present in population databases (ExAC no frequency). This variant has not been reported in the literature in individuals with TGFB3-related conditions. Algorithms developed to predict the effect of missense changes on protein structure and function are either unavailable or do not agree on the potential impact of this missense change (SIFT: "Deleterious"; PolyPhen-2: "Possibly Damaging"; Align-GVGD: "Class C0"). In summary, the available evidence is currently insufficient to determine the role of this variant in disease. Therefore, it has been classified as a Variant of Uncertain Significance.